The following is an entry in ClinVar:

ClinVar aggregate classification (germline): Uncertain significance (1 of 4 stars; one submission).

Submission:

GeneDx
Classification: Uncertain significance. Last evaluated: 2025-05-23. Review status: criteria provided, single submitter. Criteria: GeneDx Variant Classification Process June 2021. Collection method: clinical testing. Allele origin: germline. Affected: yes.
Comment: Not observed at significant frequency in large population cohorts (gnomAD); In silico analysis supports that this missense variant has a deleterious effect on protein structure/function; Has not been previously published as pathogenic or benign to our knowledge

NM_001378414.1(HDAC4):c.996A>C (p.Arg332Ser)

Gene: HDAC4 (histone deacetylase 4; minus strand). Cytogenetic location: 2q37.3.
Variant type: single nucleotide variant.
Coding change: c.996A>C on transcript NM_001378414.1 (MANE Select); coding-DNA position 996, A replaced by C.
Protein change: p.Arg332Ser; replaces arginine 332 with serine.
Molecular consequence: missense variant.
Genome position (GRCh38, 1-based): chr2:239,134,626, T>G on the plus strand (A>C on the coding strand, the complement: HDAC4 is on the minus strand). VCF-style: chr2-239134626-T-G. GRCh37 (hg19) VCF-style: chr2-240056322-T-G.
Other names: c.915A>C, p.Arg305Ser (NM_001435992.1, NM_001435994.1, NM_001435998.1 and 1 more transcripts); c.852A>C, p.Arg284Ser (NM_001435993.1); c.981A>C, p.Arg327Ser (NM_001435996.1); c.996A>C, p.Arg332Ser (NM_006037.4, NM_001378415.1, NM_001378416.1 and 1 more transcripts); short protein forms R284S, R305S, R327S, R332S.
Identifiers: ClinVar variation 4531126 (VCV004531126.1).